The following is an entry in ClinVar:

NM_001048174.2(MUTYH):c.1561del (p.Gln521fs)

Gene: MUTYH (mutY DNA glycosylase; minus strand). Cytogenetic location: 1p34.1.
Variant type: Deletion.
Coding change: c.1561del on transcript NM_001048174.2 (MANE Select); coding-DNA position 1561, one base deleted (C; older notation c.1561delC).
Protein change: p.Gln521fs; shifts the reading frame from glutamine 521.
Molecular consequence: frameshift variant. On other transcripts: non-coding transcript variant (2).
Genome position (GRCh38, 1-based): chr1:45,329,311, G deleted on the plus strand (C on the coding strand, the reverse complement: MUTYH is on the minus strand); the first of 3 consecutive G bases (chr1:45,329,311-45,329,313); deleting any one gives the same sequence. VCF-style (leftmost placement, unchanged base first): chr1-45329310-TG-T. GRCh37 (hg19) VCF-style: chr1-45794982-TG-T.
Other names: c.1561del, p.Gln521fs (NM_001048171.2, NM_001048173.2, NM_001293195.2); c.1564del, p.Gln522fs (NM_001048172.2); c.1645del, p.Gln549fs (NM_001128425.2); c.1606del, p.Gln536fs (NM_001293190.2); c.1594del, p.Gln532fs (NM_001293191.2); c.1285del, p.Gln429fs (NM_001293192.2, NM_001293196.2); c.1216del, p.Gln406fs (NM_001350650.2, NM_001350651.2); c.1592delC, p.Gln532Serfs (NM_001407069.1, NM_001407077.1); and 11 more; short protein forms Q522fs, Q549fs, Q546fs, Q406fs, Q429fs, Q521fs, Q536fs, Q532fs.
Identifiers: ClinVar variation 1777140 (VCV001777140.2), dbSNP rs773720534, ClinGen allele CA2580062901.

ClinVar aggregate classification (germline): Likely pathogenic (1 of 4 stars; one submission).

Conditions:
Hereditary cancer-predisposing syndrome. Also called: Neoplastic Syndromes, Hereditary; Tumor predisposition; Hereditary Cancer Syndrome; Hereditary neoplastic syndrome. Identifiers: Orphanet 140162, MedGen C0027672, MeSH D009386, MONDO:0015356.

Submission:

Ambry Genetics
Classification: Likely pathogenic for Hereditary cancer-predisposing syndrome. Last evaluated: 2020-11-19. Review status: criteria provided, single submitter. Criteria: Ambry Variant Classification Scheme 2023. Collection method: clinical testing. Allele origin: germline.
Comment: The c.1645delC (p.Q549Sfs*22) variant, located in coding exon 16 of the MUTYH gene causes a translational frameshift and an extension of the protein by 20 amino acids. This alteration occurs at the 3' terminus of theMUTYH gene and is not expected to trigger nonsense-mediated mRNAdecay. A different variant which results in a similarly elongated protein has been detected in a biallelic state in multiple patients with polyposis (Ambry internal data). Based on the majority of available evidence to date, this variant is likely to be pathogenic.